The following is an entry in ClinVar:

ClinVar aggregate classification (germline): Benign/Likely benign. Review status: criteria provided, multiple submitters, no conflicts (2 of 4 stars). 3 submissions from 3 submitters: Benign (1); Likely benign (2). Last evaluated 2025-06-18.

Conditions:
Hereditary cancer-predisposing syndrome. Also called: Tumor predisposition; Neoplastic Syndromes, Hereditary; Hereditary neoplastic syndrome; Hereditary Cancer Syndrome. Identifiers: Orphanet 140162, MedGen C0027672, MeSH D009386, MONDO:0015356.
Multiple endocrine neoplasia, type 2 (MEN2). Identifiers: Orphanet 653, MedGen C4048306, MONDO:0019003. Disease mechanism: gain of function.
Multiple endocrine neoplasia type 2A. Also called: MULTIPLE ENDOCRINE NEOPLASIA, TYPE IIA; PTC SYNDROME; SIPPLE SYNDROME; MEN 2A; MEN-2A syndrome; Pheochromocytoma and amyloid producing medullary thyroid carcinoma. Identifiers: Orphanet 247698, Orphanet 653, MedGen C0025268, MeSH D018813, MONDO:0008234, OMIM 171400.

Submissions (3):

Labcorp Genetics (formerly Invitae), Labcorp
Classification: Likely benign for Multiple endocrine neoplasia, type 2. Last evaluated: 2025-06-18. Review status: criteria provided, single submitter. Criteria: Invitae Variant Classification Sherloc (09022015). Collection method: clinical testing. Allele origin: germline.

Myriad Genetics, Inc.
Classification: Benign for Multiple endocrine neoplasia type 2A. Last evaluated: 2025-02-25. Review status: criteria provided, single submitter. Criteria: Myriad Autosomal Dominant, Autosomal Recessive and X-Linked Classification Criteria (2023). Collection method: clinical testing. Allele origin: unknown.
Comment: This variant is considered benign. This variant is a silent/synonymous amino acid change and it is not expected to impact splicing.

Ambry Genetics
Classification: Likely benign for Hereditary cancer-predisposing syndrome. Last evaluated: 2023-03-17. Review status: criteria provided, single submitter. Criteria: Ambry Variant Classification Scheme 2023. Collection method: clinical testing. Allele origin: germline.

NM_020975.6(RET):c.996A>G (p.Glu332=)

Gene: RET (ret proto-oncogene; plus strand). Cytogenetic location: 10q11.21.
Variant type: single nucleotide variant.
Coding change: c.996A>G on transcript NM_020975.6 (MANE Select); coding-DNA position 996, A replaced by G.
Protein change: p.Glu332=; no amino-acid change (glutamic acid 332 retained).
Molecular consequence: synonymous variant. On other transcripts: intron variant (25).
Genome position (GRCh38, 1-based): chr10:43,106,504, A>G. VCF-style: chr10-43106504-A-G. GRCh37 (hg19) VCF-style: chr10-43601952-A-G.
Other names: c.996A>G, p.Glu332= (NM_000323.2, NM_001406743.1, NM_001406744.1 and 6 more transcripts); c.234A>G, p.Glu78= (NM_001355216.2); c.867A>G, p.Glu289= (NM_001406761.1, NM_001406762.1, NM_001406764.1 and 1 more transcripts); c.708A>G, p.Glu236= (NM_001406766.1, NM_001406767.1, NM_001406770.1); c.867+1311A>G (NM_001406772.1, NM_001406769.1); c.626-2527A>G (NM_001406773.1, NM_001406771.1); c.625+3875A>G (NM_001406782.1, NM_001406780.1, NM_001406779.1 and 3 more transcripts); c.738+1311A>G (NM_001406774.1); and 5 more.
Identifiers: ClinVar variation 1151149 (VCV001151149.13), dbSNP rs2132721019, ClinGen allele CA469023899.